The following is an entry in ClinVar:

ClinVar aggregate classification (germline): Likely benign. Review status: criteria provided, multiple submitters, no conflicts (2 of 4 stars). 3 submissions from 3 submitters: Likely benign (2). 1 of the submissions does not count toward it. Last evaluated 2025-10-22.

Conditions:
FGFR3-related disorder. Also called: FGFR3-related disorders.

Allele frequency attached by ClinVar (database versions not stated): gnomAD 0.00003 and 0.00005; TOPMed 0.00004; gnomAD exomes 0.00007 and 0.00009; 1000 Genomes Project 30x 0.00016; 1000 Genomes Project 0.00020; ExAC 0.00021.
gnomAD v4.1: 103 of 1,552,882 alleles (0.0066%); highest among the groups gnomAD compares: South Asian, 0.031%; 1 homozygote.

Submissions (3):

Labcorp Genetics (formerly Invitae), Labcorp
Classification: Likely benign. Last evaluated: 2025-10-22. Review status: criteria provided, single submitter. Criteria: Invitae Variant Classification Sherloc (09022015). Collection method: clinical testing. Allele origin: germline.

Blueprint Genetics
Classification: Likely benign. Last evaluated: 2022-12-13. Review status: criteria provided, single submitter. Criteria: ACMG Guidelines, 2015. Collection method: clinical testing. Allele origin: germline.

PreventionGenetics, part of Exact Sciences
Classification: Likely benign for FGFR3-related condition. Last evaluated: 2019-08-28. Review status: no assertion criteria provided. Collection method: clinical testing. Allele origin: germline. Not counted in ClinVar's aggregate classification.
Comment: This variant is classified as likely benign based on ACMG/AMP sequence variant interpretation guidelines (Richards et al. 2015 PMID: 25741868, with internal and published modifications).

NM_000142.5(FGFR3):c.504C>T (p.Ala168=)

Gene: FGFR3 (fibroblast growth factor receptor 3; plus strand). Cytogenetic location: 4p16.3.
Variant type: single nucleotide variant.
Coding change: c.504C>T on transcript NM_000142.5 (MANE Select); coding-DNA position 504, C replaced by T.
Protein change: p.Ala168=; no amino-acid change (alanine 168 retained).
Molecular consequence: synonymous variant. On other transcripts: non-coding transcript variant (1).
Genome position (GRCh38, 1-based): chr4:1,801,425, C>T. VCF-style: chr4-1801425-C-T. GRCh37 (hg19) VCF-style: chr4-1803152-C-T.
Other names: c.504C>T (NM_000142.4); c.504C>T, p.Ala168= (NM_001163213.2, NM_001354809.2, NM_001354810.2 and 1 more transcripts).
Identifiers: ClinVar variation 1680014 (VCV001680014.11), dbSNP rs543545800, ClinGen allele CA2809860.